The following is an entry in ClinVar:

ClinVar aggregate classification (germline): Uncertain significance (1 of 4 stars; one submission).

Submission:

Ambry Genetics
Classification: Uncertain significance. Last evaluated: 2024-05-30. Review status: criteria provided, single submitter. Criteria: Ambry Variant Classification Scheme 2023. Collection method: clinical testing. Allele origin: germline.
Comment: The p.T2421A variant (also known as c.7261A>G), located in coding exon 26 of the POLQ gene, results from an A to G substitution at nucleotide position 7261. The threonine at codon 2421 is replaced by alanine, an amino acid with similar properties. This amino acid position is conserved. In addition, the in silico prediction for this alteration is inconclusive. Based on the available evidence, the clinical significance of this variant remains unclear.

NM_199420.4(POLQ):c.7261A>G (p.Thr2421Ala)

Gene: POLQ (DNA polymerase theta; minus strand). Cytogenetic location: 3q13.33.
Variant type: single nucleotide variant.
Coding change: c.7261A>G on transcript NM_199420.4 (MANE Select); coding-DNA position 7261, A replaced by G.
Protein change: p.Thr2421Ala; replaces threonine 2421 with alanine.
Molecular consequence: missense variant.
Genome position (GRCh38, 1-based): chr3:121,449,318, T>C on the plus strand (A>G on the coding strand, the complement: POLQ is on the minus strand). VCF-style: chr3-121449318-T-C. GRCh37 (hg19) VCF-style: chr3-121168165-T-C.
Other names: short protein forms T2421A.
Identifiers: ClinVar variation 3308706 (VCV003308706.1).